The following is an entry in ClinVar:

ClinVar aggregate classification (germline): Uncertain significance (1 of 4 stars; one submission).

Allele frequency attached by ClinVar (database versions not stated): gnomAD 0.00001; gnomAD exomes 0.00005; ExAC 0.00007; ESP Exome Variant Server 0.00008.
gnomAD v4.1: 31 of 1,609,670 alleles (0.0019%); highest among the groups gnomAD compares: Admixed American, 0.02%; no homozygotes.

Submission:

Labcorp Genetics (formerly Invitae), Labcorp
Classification: Uncertain significance. Last evaluated: 2023-11-27. Review status: criteria provided, single submitter. Criteria: Invitae Variant Classification Sherloc (09022015). Collection method: clinical testing. Allele origin: germline.
Comment: This sequence change replaces glycine, which is neutral and non-polar, with serine, which is neutral and polar, at codon 275 of the PALM protein (p.Gly275Ser). This variant is present in population databases (rs373114264, gnomAD 0.02%). This variant has not been reported in the literature in individuals affected with PALM-related conditions. ClinVar contains an entry for this variant (Variation ID: 1430702). An algorithm developed to predict the effect of missense changes on protein structure and function (PolyPhen-2) suggests that this variant is likely to be disruptive. In summary, the available evidence is currently insufficient to determine the role of this variant in disease. Therefore, it has been classified as a Variant of Uncertain Significance.

NM_002579.3(PALM):c.823G>A (p.Gly275Ser)

Gene: PALM (paralemmin; plus strand). Cytogenetic location: 19p13.3.
Variant type: single nucleotide variant.
Coding change: c.823G>A on transcript NM_002579.3 (MANE Select); coding-DNA position 823, G replaced by A.
Protein change: p.Gly275Ser; replaces glycine 275 with serine.
Molecular consequence: missense variant.
Genome position (GRCh38, 1-based): chr19:746,473, G>A. VCF-style: chr19-746473-G-A. GRCh37 (hg19) VCF-style: chr19-746473-G-A.
Other names: c.691G>A, p.Gly231Ser (NM_001040134.2); short protein forms G231S, G275S.
Identifiers: ClinVar variation 1430702 (VCV001430702.8), dbSNP rs373114264, ClinGen allele CA9022790.
Genomic context (GRCh38, chr19:746,473, plus strand): 5'-GAGACCCGGGGGGCTGTGGAGGGGGCAGCCCGGACCACGCCCTCCCGGCGGGAGATCACC[G>A]GTGTGCAGGCACAGCCAGGCGAGGCCACGTCCGGCCCGCCGGGGATCCAGCCCGGCCAGG-3'
Protein context (NP_002570.2, residues 265-285): RTTPSRREIT[Gly275Ser]VQAQPGEATS